The following is an entry in ClinVar:

ClinVar aggregate classification (germline): Conflicting classifications of pathogenicity. Review status: criteria provided, conflicting classifications (1 of 4 stars). 4 submissions from 4 submitters: Likely pathogenic (2); Uncertain significance (2). Last evaluated 2025-08-26.

Conditions:
Early-infantile DEE. Also called: Early infantile epileptic encephalopathy; Early infantile epileptic encephalopathy with suppression bursts; Ohtahara syndrome. Identifiers: Orphanet 1934, MedGen C0393706, MONDO:0800491.

Allele frequency attached by ClinVar (database versions not stated): gnomAD exomes below 0.00001 and 0.00001; TOPMed below 0.00001.
gnomAD v4.1: 6 of 1,613,892 alleles (0.00037%); highest among the groups gnomAD compares: Non-Finnish European, 0.00051%; no homozygotes.

Submissions (4):

GeneDx
Classification: Likely pathogenic. Last evaluated: 2025-08-26. Review status: criteria provided, single submitter. Criteria: GeneDx Variant Classification Process June 2021. Collection method: clinical testing. Allele origin: germline. Affected: yes.
Comment: This substitution is predicted to be within the C-terminal cytoplasmic domain; In silico analysis supports that this missense variant has a deleterious effect on protein structure/function; This variant is associated with the following publications: (PMID: 32347949, 39088020, 29056246)

Labcorp Genetics (formerly Invitae), Labcorp
Classification: Likely pathogenic for Early-infantile DEE. Last evaluated: 2024-12-31. Review status: criteria provided, single submitter. Criteria: Invitae Variant Classification Sherloc (09022015). Collection method: clinical testing. Allele origin: germline.
Comment: This sequence change replaces proline, which is neutral and non-polar, with serine, which is neutral and polar, at codon 1855 of the SCN1A protein (p.Pro1855Ser). This variant is present in population databases (rs794727415, gnomAD 0.0009%). This missense change has been observed in individual(s) with clinical features of SCN1A-related conditions (PMID: 29056246). ClinVar contains an entry for this variant (Variation ID: 195945). Invitae Evidence Modeling of protein sequence and biophysical properties (such as structural, functional, and spatial information, amino acid conservation, physicochemical variation, residue mobility, and thermodynamic stability) indicates that this missense variant is expected to disrupt SCN1A protein function with a positive predictive value of 95%. This variant disrupts the p.Pro1855Leu amino acid residue in SCN1A. Other variant(s) that disrupt this residue have been determined to be pathogenic (PMID: 21248271). This suggests that this residue is clinically significant, and that variants that disrupt this residue are likely to be disease-causing. In summary, the currently available evidence indicates that the variant is pathogenic, but additional data are needed to prove that conclusively. Therefore, this variant has been classified as Likely Pathogenic.

Revvity Omics, Revvity
Classification: Uncertain significance. Last evaluated: 2021-12-27. Review status: criteria provided, single submitter. Criteria: ACMG Guidelines, 2015. Collection method: clinical testing. Allele origin: germline.

Eurofins Ntd Llc (ga)
Classification: Uncertain significance. Last evaluated: 2014-06-06. Review status: criteria provided, single submitter. Criteria: EGL Classification Definitions 2015. Collection method: clinical testing. Allele origin: germline. Observed: 1 variant allele, 1 heterozygote.

Literature cited by the submitters: PubMed 29056246 (cited by Labcorp Genetics (formerly Invitae), Labcorp); PubMed 21248271 (cited by Labcorp Genetics (formerly Invitae), Labcorp).

NM_001165963.4(SCN1A):c.5563C>T (p.Pro1855Ser)

Genes: SCN1A (sodium voltage-gated channel alpha subunit 1; minus strand), LOC102724058 (uncharacterized LOC102724058; plus strand). Cytogenetic location: 2q24.3.
Variant type: single nucleotide variant.
Coding change: c.5563C>T on transcript NM_001165963.4 (MANE Select); coding-DNA position 5563, C replaced by T.
Protein change: p.Pro1855Ser; replaces proline 1855 with serine.
Molecular consequence: missense variant. On other transcripts: non-coding transcript variant (1).
Genome position (GRCh38, 1-based): chr2:165,991,712, G>A on the plus strand (C>T on the coding strand, the complement: SCN1A is on the minus strand). VCF-style: chr2-165991712-G-A. GRCh37 (hg19) VCF-style: chr2-166848222-G-A.
Other names: c.5479C>T, p.Pro1827Ser (NM_001165964.3, NM_001353957.2, NM_001353958.2); c.5563C>T, p.Pro1855Ser (NM_001202435.3, NM_001353948.2); c.5530C>T, p.Pro1844Ser (NM_001353949.2, NM_001353950.2, NM_001353951.2 and 2 more transcripts); c.5527C>T, p.Pro1843Ser (NM_001353954.2, NM_001353955.2); c.5476C>T, p.Pro1826Ser (NM_001353960.2); c.3121C>T, p.Pro1041Ser (NM_001353961.2); c.5563C>T (NM_001165963.3); short protein forms P1844S, P1855S, P1041S, P1826S, P1827S, P1843S.
Identifiers: ClinVar variation 195945 (VCV000195945.21), dbSNP rs794727415, ClinGen allele CA242660.